The following is an entry in ClinVar:

ClinVar aggregate classification (germline): Uncertain significance. Review status: criteria provided, multiple submitters, no conflicts (2 of 4 stars). 2 submissions from 2 submitters: Uncertain significance (2). Last evaluated 2021-12-02.

Allele frequency attached by ClinVar (database versions not stated): gnomAD exomes below 0.00001; TOPMed below 0.00001; ExAC 0.00001; gnomAD 0.00001.
gnomAD v4.1: 3 of 1,612,824 alleles (0.00019%); highest among the groups gnomAD compares: Non-Finnish European, 0.00025%; no homozygotes.

Submissions (2):

Labcorp Genetics (formerly Invitae), Labcorp
Classification: Uncertain significance. Last evaluated: 2021-12-02. Review status: criteria provided, single submitter. Criteria: Invitae Variant Classification Sherloc (09022015). Collection method: clinical testing. Allele origin: germline.
Comment: This sequence change replaces glutamic acid, which is acidic and polar, with aspartic acid, which is acidic and polar, at codon 1769 of the VPS13A protein (p.Glu1769Asp). This variant is not present in population databases (gnomAD no frequency). This variant has not been reported in the literature in individuals affected with VPS13A-related conditions. Algorithms developed to predict the effect of missense changes on protein structure and function output the following: SIFT: "Tolerated"; PolyPhen-2: "Benign"; Align-GVGD: "Class C0". The aspartic acid amino acid residue is found in multiple mammalian species, which suggests that this missense change does not adversely affect protein function. In summary, the available evidence is currently insufficient to determine the role of this variant in disease. Therefore, it has been classified as a Variant of Uncertain Significance.

Blueprint Genetics
Classification: Uncertain significance. Last evaluated: 2018-10-18. Review status: criteria provided, single submitter. Criteria: ACMG Guidelines, 2015. Collection method: clinical testing. Allele origin: germline.

NM_033305.3(VPS13A):c.5307G>T (p.Glu1769Asp)

Gene: VPS13A (vacuolar protein sorting 13 homolog A; plus strand). Cytogenetic location: 9q21.2.
Variant type: single nucleotide variant.
Coding change: c.5307G>T on transcript NM_033305.3 (MANE Select); coding-DNA position 5307, G replaced by T.
Protein change: p.Glu1769Asp; replaces glutamic acid 1769 with aspartic acid.
Molecular consequence: missense variant.
Genome position (GRCh38, 1-based): chr9:77,318,585, G>T. VCF-style: chr9-77318585-G-T. GRCh37 (hg19) VCF-style: chr9-79933501-G-T.
Other names: c.5190G>T, p.Glu1730Asp (NM_001018037.2); c.5307G>T, p.Glu1769Asp (NM_001018038.3, NM_015186.4); short protein forms E1730D, E1769D.
Identifiers: ClinVar variation 1427680 (VCV001427680.6), dbSNP rs765874351, ClinGen allele CA5092721.